The following is an entry in ClinVar:

ClinVar aggregate classification (germline): Uncertain significance (1 of 4 stars; one submission).

Allele frequency attached by ClinVar (database versions not stated): TOPMed below 0.00001; gnomAD 0.00002; ExAC 0.00003.
gnomAD v4.1: 10 of 1,333,000 alleles (0.00075%); highest among the groups gnomAD compares: Non-Finnish European, 0.00087%; no homozygotes.

Submission:

CeGaT Center for Human Genetics Tuebingen
Classification: Uncertain significance. Last evaluated: 2023-08-01. Review status: criteria provided, single submitter. Criteria: CeGaT Center For Human Genetics Tuebingen Variant Classification Criteria Version 2. Collection method: clinical testing. Allele origin: germline. Affected: yes. Observed: 1 variant allele.
Comment: GOT2: PM2

NM_002080.4(GOT2):c.80C>A (p.Ala27Asp)

Gene: GOT2 (glutamic-oxaloacetic transaminase 2; minus strand). Cytogenetic location: 16q21.
Variant type: single nucleotide variant.
Coding change: c.80C>A on transcript NM_002080.4 (MANE Select); coding-DNA position 80, C replaced by A.
Protein change: p.Ala27Asp; replaces alanine 27 with aspartic acid.
Molecular consequence: missense variant.
Genome position (GRCh38, 1-based): chr16:58,734,149, G>T on the plus strand (C>A on the coding strand, the complement: GOT2 is on the minus strand). VCF-style: chr16-58734149-G-T. GRCh37 (hg19) VCF-style: chr16-58768053-G-T.
Other names: c.80C>A, p.Ala27Asp (NM_001286220.2); short protein forms A27D.
Identifiers: ClinVar variation 2578766 (VCV002578766.25), dbSNP rs764456344, ClinGen allele CA8091157.